The following is an entry in ClinVar:

NM_147196.3(TMIE):c.198C>T (p.Phe66=)

Gene: TMIE (transmembrane inner ear; plus strand). Cytogenetic location: 3p21.31.
Variant type: single nucleotide variant.
Coding change: c.198C>T on transcript NM_147196.3 (MANE Select); coding-DNA position 198, C replaced by T.
Protein change: p.Phe66=; no amino-acid change (phenylalanine 66 retained).
Molecular consequence: synonymous variant.
Genome position (GRCh38, 1-based): chr3:46,705,894, C>T. VCF-style: chr3-46705894-C-T. GRCh37 (hg19) VCF-style: chr3-46747384-C-T.
Other names: c.39C>T, p.Phe13= (NM_001370524.1, NM_001370525.1).
Identifiers: ClinVar variation 4082667 (VCV004082667.1).

ClinVar aggregate classification (germline): Uncertain significance (1 of 4 stars; one submission).

gnomAD v4.1: 11 of 1,614,086 alleles (0.00068%); highest among the groups gnomAD compares: Admixed American, 0.0017%; no homozygotes.

Submission:

GeneDx
Classification: Uncertain significance. Last evaluated: 2025-03-04. Review status: criteria provided, single submitter. Criteria: GeneDx Variant Classification Process June 2021. Collection method: clinical testing. Allele origin: germline. Affected: yes.
Comment: Not observed at significant frequency in large population cohorts (gnomAD); Has not been previously published as pathogenic or benign to our knowledge; In silico analysis suggests this variant may impact gene splicing. In the absence of RNA/functional studies, the actual effect of this sequence change is unknown.